The following is an entry in ClinVar:

NM_001620.3(AHNAK):c.17209T>G (p.Ser5737Ala)

Gene: AHNAK (AHNAK nucleoprotein; minus strand). Cytogenetic location: 11q12.3.
Variant type: single nucleotide variant.
Coding change: c.17209T>G on transcript NM_001620.3 (MANE Select); coding-DNA position 17209, T replaced by G.
Protein change: p.Ser5737Ala; replaces serine 5737 with alanine.
Molecular consequence: missense variant. On other transcripts: intron variant (1).
Genome position (GRCh38, 1-based): chr11:62,517,208, A>C on the plus strand (T>G on the coding strand, the complement: AHNAK is on the minus strand). VCF-style: chr11-62517208-A-C. GRCh37 (hg19) VCF-style: chr11-62284680-A-C.
Other names: c.17209T>G, p.Ser5737Ala (NM_001346445.2, NM_001346446.2); c.342+17795T>G (NM_024060.4); short protein forms S5737A.
Identifiers: ClinVar variation 5033404 (VCV005033404.1).

ClinVar aggregate classification (germline): Uncertain significance (1 of 4 stars; one submission).

gnomAD v4.1: 62 of 1,613,986 alleles (0.0038%); highest among the groups gnomAD compares: African/African-American, 0.0053%; no homozygotes.

Submission:

Ambry Genetics
Classification: Uncertain significance. Last evaluated: 2026-07-14. Review status: criteria provided, single submitter. Criteria: Ambry Variant Classification Scheme 2023. Collection method: clinical testing. Allele origin: germline.
Comment: The c.17209T>G (p.S5737A) alteration is located in exon 5 (coding exon 3) of the AHNAK gene. This alteration results from a T to G substitution at nucleotide position 17209, causing the serine (S) at amino acid position 5737 to be replaced by an alanine (A). Based on data from gnomAD, the G allele has an overall frequency of 0.001% (4/282154) total alleles studied. The highest observed frequency was 0.004% (1/24684) of African alleles. Based on insufficient or conflicting evidence, the clinical significance of this alteration remains unclear.